The following is an entry in ClinVar:

NM_130384.3(ATRIP):c.305A>T (p.Asn102Ile)

Genes: ATRIP (ATR interacting protein; plus strand), ATRIP-TREX1 (ATRIP-TREX1 readthrough; plus strand). Cytogenetic location: 3p21.31.
Variant type: single nucleotide variant.
Coding change: c.305A>T on transcript NM_130384.3 (MANE Select); coding-DNA position 305, A replaced by T.
Protein change: p.Asn102Ile; replaces asparagine 102 with isoleucine.
Molecular consequence: missense variant. On other transcripts: non-coding transcript variant (1), 5 prime UTR variant (1).
Genome position (GRCh38, 1-based): chr3:48,450,094, A>T. VCF-style: chr3-48450094-A-T. GRCh37 (hg19) VCF-style: chr3-48491500-A-T.
Other names: c.-160A>T (NM_001271022.2); c.26A>T, p.Asn9Ile (NM_001271023.2); c.305A>T, p.Asn102Ile (NM_032166.4); short protein forms N9I, N102I.
Identifiers: ClinVar variation 3810172 (VCV003810172.1).

ClinVar aggregate classification (germline): Uncertain significance (1 of 4 stars; one submission).

Submission:

Ambry Genetics
Classification: Uncertain significance. Last evaluated: 2025-01-27. Review status: criteria provided, single submitter. Criteria: Ambry Variant Classification Scheme 2023. Collection method: clinical testing. Allele origin: germline.
Comment: The p.N102I variant (also known as c.305A>T), located in coding exon 2 of the ATRIP gene, results from an A to T substitution at nucleotide position 305. The asparagine at codon 102 is replaced by isoleucine, an amino acid with dissimilar properties. This amino acid position is conserved. In addition, this alteration is predicted to be tolerated by in silico analysis. Based on the available evidence, the clinical significance of this variant remains unclear.